The following is an entry in ClinVar:

ClinVar aggregate classification (germline): Pathogenic (1 of 4 stars; one submission).

Conditions:
Familial thoracic aortic aneurysm and aortic dissection (TAAD). Also called: Thoracic aortic aneurysms and dissections. Identifiers: Orphanet 91387, MedGen C4707243, MONDO:0019625.

Submission:

Ambry Genetics
Classification: Pathogenic for Familial thoracic aortic aneurysm and aortic dissection. Last evaluated: 2025-08-04. Review status: criteria provided, single submitter. Criteria: Ambry Variant Classification Scheme 2023. Collection method: clinical testing. Allele origin: germline.
Comment: The p.G1252* pathogenic mutation (also known as c.3754G>T), located in coding exon 19 of the MYLK gene, results from a G to T substitution at nucleotide position 3754. This changes the amino acid from a glycine to a stop codon within coding exon 19. This variant is considered to be rare based on population cohorts in the Genome Aggregation Database (gnomAD). This alteration is expected to result in loss of function by premature protein truncation or nonsense-mediated mRNA decay. As such, this alteration is interpreted as a disease-causing mutation.

NM_053025.4(MYLK):c.3754G>T (p.Gly1252Ter)

Gene: MYLK (myosin light chain kinase; minus strand). Cytogenetic location: 3q21.1.
Variant type: single nucleotide variant.
Coding change: c.3754G>T on transcript NM_053025.4 (MANE Select); coding-DNA position 3754, G replaced by T.
Protein change: p.Gly1252Ter; replaces glycine 1252 with a stop codon.
Molecular consequence: nonsense.
Genome position (GRCh38, 1-based): chr3:123,666,296, C>A on the plus strand (G>T on the coding strand, the complement: MYLK is on the minus strand). VCF-style: chr3-123666296-C-A. GRCh37 (hg19) VCF-style: chr3-123385143-C-A.
Other names: c.3226G>T, p.Gly1076Ter (NM_001321309.2); c.3547G>T, p.Gly1183Ter (NM_053026.4, NM_053028.4); c.3754G>T, p.Gly1252Ter (NM_053027.4); short protein forms G1183*, G1252*, G1076*.
Identifiers: ClinVar variation 4115056 (VCV004115056.1).